The following is an entry in ClinVar:

NM_001349.4(DARS1):c.1149+3A>C

Gene: DARS1 (aspartyl-tRNA synthetase 1; minus strand). Cytogenetic location: 2q21.3.
Variant type: single nucleotide variant.
Coding change: c.1149+3A>C on transcript NM_001349.4 (MANE Select); 3 bases into the intron after coding-DNA position 1149, A replaced by C.
Molecular consequence: intron variant.
Genome position (GRCh38, 1-based): chr2:135,914,466, T>G on the plus strand (A>C on the coding strand, the complement: DARS1 is on the minus strand). VCF-style: chr2-135914466-T-G. GRCh37 (hg19) VCF-style: chr2-136672036-T-G.
Other names: c.849+3A>C (NM_001293312.1).
Identifiers: ClinVar variation 2019676 (VCV002019676.4), dbSNP rs2467352133, ClinGen allele CA2580063825.

ClinVar aggregate classification (germline): Uncertain significance (1 of 4 stars; one submission).

Submission:

Labcorp Genetics (formerly Invitae), Labcorp
Classification: Uncertain significance. Last evaluated: 2024-10-24. Review status: criteria provided, single submitter. Criteria: Invitae Variant Classification Sherloc (09022015). Collection method: clinical testing. Allele origin: germline.
Comment: This sequence change falls in intron 12 of the DARS gene. It does not directly change the encoded amino acid sequence of the DARS protein. It affects a nucleotide within the consensus splice site. This variant is not present in population databases (gnomAD no frequency). This variant has not been reported in the literature in individuals affected with DARS-related conditions. ClinVar contains an entry for this variant (Variation ID: 2019676). Variants that disrupt the consensus splice site are a relatively common cause of aberrant splicing (PMID: 17576681, 9536098). Algorithms developed to predict the effect of sequence changes on RNA splicing suggest that this variant may disrupt the consensus splice site. In summary, the available evidence is currently insufficient to determine the role of this variant in disease. Therefore, it has been classified as a Variant of Uncertain Significance.

Literature cited by the submitters: PubMed 17576681; PubMed 9536098.